The following is an entry in ClinVar:

ClinVar aggregate classification (germline): Uncertain significance (1 of 4 stars; one submission).

Conditions:
Hypertrophic cardiomyopathy 14. Identifiers: MedGen C2750467, MONDO:0013197, OMIM 613251.

Submission:

Labcorp Genetics (formerly Invitae), Labcorp
Classification: Uncertain significance for Hypertrophic cardiomyopathy 14. Last evaluated: 2025-06-24. Review status: criteria provided, single submitter. Criteria: Invitae Variant Classification Sherloc (09022015). Collection method: clinical testing. Allele origin: germline.
Comment: This sequence change replaces threonine, which is neutral and polar, with arginine, which is basic and polar, at codon 1253 of the MYH6 protein (p.Thr1253Arg). This variant is not present in population databases (gnomAD no frequency). This variant has not been reported in the literature in individuals affected with MYH6-related conditions. Invitae Evidence Modeling of protein sequence and biophysical properties (such as structural, functional, and spatial information, amino acid conservation, physicochemical variation, residue mobility, and thermodynamic stability) indicates that this missense variant is not expected to disrupt MYH6 protein function with a negative predictive value of 80%. In summary, the available evidence is currently insufficient to determine the role of this variant in disease. Therefore, it has been classified as a Variant of Uncertain Significance.

NM_002471.4(MYH6):c.3758C>G (p.Thr1253Arg)

Gene: MYH6 (myosin heavy chain 6; minus strand). Cytogenetic location: 14q11.2.
Variant type: single nucleotide variant.
Coding change: c.3758C>G on transcript NM_002471.4 (MANE Select); coding-DNA position 3758, C replaced by G.
Protein change: p.Thr1253Arg; replaces threonine 1253 with arginine.
Molecular consequence: missense variant.
Genome position (GRCh38, 1-based): chr14:23,389,694, G>C on the plus strand (C>G on the coding strand, the complement: MYH6 is on the minus strand). VCF-style: chr14-23389694-G-C. GRCh37 (hg19) VCF-style: chr14-23858903-G-C.
Other names: short protein forms T1253R.
Identifiers: ClinVar variation 4738996 (VCV004738996.1).
Genomic context (GRCh38, chr14:23,389,694, plus strand): 5'-TTGAGGGAGCGTTGGGCCTCTTCTAGCTTCACGCGGTACTCATTGGCCTGGTCCTCCAGC[G>C]TCCGAGACACTTTCTCCAGGTTTGCCTTCAGGAAGCAAGACAGGAAGGGTGAGTGTGGGA-3'
Protein context (NP_002462.2, residues 1243-1263): AKANLEKVSR[Thr1253Arg]LEDQANEYRV